The following is an entry in ClinVar:

NM_003480.4(MFAP5):c.410-6T>C

Genes: MFAP5 (microfibril associated protein 5; minus strand), LOC126861443 (BRD4-independent group 4 enhancer GRCh37_chr12:8800473-8801672; plus strand). Cytogenetic location: 12p13.31.
Variant type: single nucleotide variant.
Coding change: c.410-6T>C on transcript NM_003480.4 (MANE Select); 6 bases into the intron before coding-DNA position 410, T replaced by C.
Molecular consequence: intron variant.
Genome position (GRCh38, 1-based): chr12:8,648,209, A>G on the plus strand (T>C on the coding strand, the complement: MFAP5 is on the minus strand). VCF-style: chr12-8648209-A-G. GRCh37 (hg19) VCF-style: chr12-8800805-A-G.
Other names: c.344-6T>C (NM_001297710.2); c.335-6T>C (NM_001297711.2); c.218-6T>C (NM_001297712.2); c.380-6T>C (NM_001297709.2).
Identifiers: ClinVar variation 517740 (VCV000517740.12), dbSNP rs372458974, ClinGen allele CA6434577.
Genomic context (GRCh38, chr12:8,648,209, plus strand): 5'-TTGGAGCGACGGAGTCTCCTAGGGGGCAGACCAGCCATCTGACGGCAAAGCTCATCTAGA[A>G]GAGAAGCAGAACATCATGGGAAGAGAATGCAGAAGATAACAAAGGCTCTTGTTTTAAGGG-3'

ClinVar aggregate classification (germline): Benign/Likely benign. Review status: criteria provided, multiple submitters, no conflicts (2 of 4 stars). 4 submissions from 4 submitters: Benign (1); Likely benign (2). 1 of the submissions does not count toward it. Last evaluated 2026-06-26.

Conditions:
MFAP5-related disorder. Also called: MFAP5-related condition.

Allele frequency attached by ClinVar (database versions not stated): gnomAD 0.00001; ESP Exome Variant Server 0.00008; TOPMed 0.00003; ExAC 0.00004.

Submissions (4):

Women's Health and Genetics/Laboratory Corporation of America, LabCorp
Classification: Benign. Last evaluated: 2026-06-26. Review status: criteria provided, single submitter. Criteria: LabCorp Variant Classification Summary - May 2015. Collection method: clinical testing. Allele origin: germline.

Labcorp Genetics (formerly Invitae), Labcorp
Classification: Likely benign. Last evaluated: 2026-02-03. Review status: criteria provided, single submitter. Criteria: Invitae Variant Classification Sherloc (09022015). Collection method: clinical testing. Allele origin: germline.

GeneDx
Classification: Likely benign. Last evaluated: 2017-02-09. Review status: criteria provided, single submitter. Criteria: GeneDx Variant Classification (06012015). Collection method: clinical testing. Allele origin: germline. Affected: yes.
Comment: This variant is considered likely benign or benign based on one or more of the following criteria: it is a conservative change, it occurs at a poorly conserved position in the protein, it is predicted to be benign by multiple in silico algorithms, and/or has population frequency not consistent with disease.

PreventionGenetics, part of Exact Sciences
Classification: Likely benign for MFAP5-related condition. Last evaluated: 2019-03-26. Review status: no assertion criteria provided. Collection method: clinical testing. Allele origin: germline. Not counted in ClinVar's aggregate classification.
Comment: This variant is classified as likely benign based on ACMG/AMP sequence variant interpretation guidelines (Richards et al. 2015 PMID: 25741868, with internal and published modifications).